The following is an entry in ClinVar:

NM_006642.5(SDCCAG8):c.83G>A (p.Ser28Asn)

Gene: SDCCAG8 (SHH signaling and ciliogenesis regulator SDCCAG8; plus strand). Cytogenetic location: 1q43.
Variant type: single nucleotide variant.
Coding change: c.83G>A on transcript NM_006642.5 (MANE Select); coding-DNA position 83, G replaced by A.
Protein change: p.Ser28Asn; replaces serine 28 with asparagine.
Molecular consequence: missense variant. On other transcripts: 5 prime UTR variant (4).
Genome position (GRCh38, 1-based): chr1:243,270,120, G>A. VCF-style: chr1-243270120-G-A. GRCh37 (hg19) VCF-style: chr1-243433422-G-A.
Other names: c.-1030G>A (NM_001350246.2); c.-918G>A (NM_001350247.2); c.83G>A, p.Ser28Asn (NM_001350248.2); c.-212G>A (NM_001350249.2); c.-1291G>A (NM_001350251.2); short protein forms S28N.
Identifiers: ClinVar variation 1388930 (VCV001388930.6), dbSNP rs2149262996, ClinGen allele CA345473701.

ClinVar aggregate classification (germline): Uncertain significance (1 of 4 stars; one submission).

Conditions:
Senior-Loken syndrome 7 (SLSN7). Identifiers: Orphanet 3156, MedGen C3150877, MONDO:0013326, OMIM 613615.
Bardet-Biedl syndrome 16 (BBS16). Identifiers: Orphanet 110, MedGen C3889474, MONDO:0014444, OMIM 615993.

gnomAD v4.1: 7 of 1,614,214 alleles (0.00043%); highest among the groups gnomAD compares: Non-Finnish European, 0.00059%; no homozygotes.

Submission:

Labcorp Genetics (formerly Invitae), Labcorp
Classification: Uncertain significance for Bardet-Biedl syndrome 16; Senior-Loken syndrome 7. Last evaluated: 2021-10-24. Review status: criteria provided, single submitter. Criteria: Invitae Variant Classification Sherloc (09022015). Collection method: clinical testing. Allele origin: germline.
Comment: In summary, the available evidence is currently insufficient to determine the role of this variant in disease. Therefore, it has been classified as a Variant of Uncertain Significance. Algorithms developed to predict the effect of missense changes on protein structure and function are either unavailable or do not agree on the potential impact of this missense change (SIFT: "Deleterious"; PolyPhen-2: "Probably Damaging"; Align-GVGD: "Class C0"). This variant has not been reported in the literature in individuals affected with SDCCAG8-related conditions. This variant is not present in population databases (ExAC no frequency). This sequence change replaces serine with asparagine at codon 28 of the SDCCAG8 protein (p.Ser28Asn). The serine residue is moderately conserved and there is a small physicochemical difference between serine and asparagine.